The following is an entry in ClinVar:

ClinVar aggregate classification (germline): Pathogenic. Review status: criteria provided, single submitter (1 of 4 stars). 2 submissions from 2 submitters: Pathogenic (1). 1 of the submissions does not count toward it. Last evaluated 2024-07-17.

Conditions:
Nephronophthisis. Also called: Juvenile Nephronophthisis. Identifiers: Orphanet 655, MedGen C0687120, MONDO:0019005, HP:0000090.
Nephronophthisis 4 (NPHP4). Also called: NEPHRONOPHTHISIS 4, JUVENILE. Identifiers: Orphanet 655, MedGen C1847013, MONDO:0011752, OMIM 606966.

Submissions (2):

Labcorp Genetics (formerly Invitae), Labcorp
Classification: Pathogenic for Nephronophthisis. Last evaluated: 2024-07-17. Review status: criteria provided, single submitter. Criteria: Invitae Variant Classification Sherloc (09022015). Collection method: clinical testing. Allele origin: germline.
Comment: This sequence change creates a premature translational stop signal (p.Glu790*) in the NPHP4 gene. It is expected to result in an absent or disrupted protein product. Loss-of-function variants in NPHP4 are known to be pathogenic (PMID: 12205563, 23559409). This variant is not present in population databases (gnomAD no frequency). This premature translational stop signal has been observed in individual(s) with nephronophthisis (PMID: 12244321). This variant is also known as Glu614X. ClinVar contains an entry for this variant (Variation ID: 3399). For these reasons, this variant has been classified as Pathogenic.

OMIM
Classification: Pathogenic for NEPHRONOPHTHISIS 4. Last evaluated: 2002-11-01. Review status: no assertion criteria provided. Collection method: literature only. Allele origin: germline. Not counted in ClinVar's aggregate classification.

Literature cited by the submitters: PubMed 12205563 (cited by Labcorp Genetics (formerly Invitae), Labcorp and OMIM); PubMed 23559409 (cited by Labcorp Genetics (formerly Invitae), Labcorp); PubMed 12244321 (cited by Labcorp Genetics (formerly Invitae), Labcorp and OMIM).

NM_015102.5(NPHP4):c.2368G>T (p.Glu790Ter)

Gene: NPHP4 (nephrocystin 4; minus strand). Cytogenetic location: 1p36.31.
Variant type: single nucleotide variant.
Coding change: c.2368G>T on transcript NM_015102.5 (MANE Select); coding-DNA position 2368, G replaced by T.
Protein change: p.Glu790Ter; replaces glutamic acid 790 with a stop codon.
Molecular consequence: nonsense. On other transcripts: non-coding transcript variant (1).
Genome position (GRCh38, 1-based): chr1:5,887,403, C>A on the plus strand (G>T on the coding strand, the complement: NPHP4 is on the minus strand). VCF-style: chr1-5887403-C-A. GRCh37 (hg19) VCF-style: chr1-5947463-C-A.
Other names: c.829G>T, p.Glu277Ter (NM_001291593.2); c.832G>T, p.Glu278Ter (NM_001291594.2); short protein forms E790*, E278*, E277*.
Identifiers: ClinVar variation 3399 (VCV000003399.4), dbSNP rs137852918, ClinGen allele CA116181.